The following is an entry in ClinVar:

ClinVar aggregate classification (germline): Uncertain significance (1 of 4 stars; one submission).

Conditions:
Bethlem myopathy 1A. Also called: Bethlem myopathy 1; Bethlem Muscular Dystrophy; MYOPATHY, BENIGN CONGENITAL, WITH CONTRACTURES. Identifiers: Orphanet 610, MedGen CN029274, MONDO:0024530, OMIM 158810.

Allele frequency attached by ClinVar (database versions not stated): gnomAD exomes below 0.00001; TOPMed below 0.00001.

Submission:

Labcorp Genetics (formerly Invitae), Labcorp
Classification: Uncertain significance for Bethlem myopathy 1A. Last evaluated: 2023-11-21. Review status: criteria provided, single submitter. Criteria: Invitae Variant Classification Sherloc (09022015). Collection method: clinical testing. Allele origin: germline.
Comment: This sequence change replaces histidine, which is basic and polar, with tyrosine, which is neutral and polar, at codon 69 of the COL6A2 protein (p.His69Tyr). This variant is not present in population databases (gnomAD no frequency). This variant has not been reported in the literature in individuals affected with COL6A2-related conditions. Advanced modeling of protein sequence and biophysical properties (such as structural, functional, and spatial information, amino acid conservation, physicochemical variation, residue mobility, and thermodynamic stability) performed at Invitae indicates that this missense variant is not expected to disrupt COL6A2 protein function with a negative predictive value of 80%. In summary, the available evidence is currently insufficient to determine the role of this variant in disease. Therefore, it has been classified as a Variant of Uncertain Significance.

NM_001849.4(COL6A2):c.205C>T (p.His69Tyr)

Gene: COL6A2 (collagen type VI alpha 2 chain; plus strand). Cytogenetic location: 21q22.3.
Variant type: single nucleotide variant.
Coding change: c.205C>T on transcript NM_001849.4 (MANE Select); coding-DNA position 205, C replaced by T.
Protein change: p.His69Tyr; replaces histidine 69 with tyrosine.
Molecular consequence: missense variant.
Genome position (GRCh38, 1-based): chr21:46,112,068, C>T. VCF-style: chr21-46112068-C-T. GRCh37 (hg19) VCF-style: chr21-47531982-C-T.
Other names: c.205C>T, p.His69Tyr (NM_058174.3, NM_058175.3); short protein forms H69Y.
Identifiers: ClinVar variation 2724924 (VCV002724924.3), dbSNP rs2078406856, ClinGen allele CA410520257.